The following is an entry in ClinVar:

NM_001042462.2(TRAPPC5):c.548G>C (p.Arg183Pro)

Gene: TRAPPC5 (trafficking protein particle complex subunit 5; plus strand). Cytogenetic location: 19p13.2.
Variant type: single nucleotide variant.
Coding change: c.548G>C on transcript NM_001042462.2 (MANE Select); coding-DNA position 548, G replaced by C.
Protein change: p.Arg183Pro; replaces arginine 183 with proline.
Molecular consequence: missense variant.
Genome position (GRCh38, 1-based): chr19:7,682,801, G>C. VCF-style: chr19-7682801-G-C. GRCh37 (hg19) VCF-style: chr19-7747687-G-C.
Other names: c.548G>C, p.Arg183Pro (NM_001042461.3, NM_174894.3); short protein forms R183P.
Identifiers: ClinVar variation 89071 (VCV000089071.2), dbSNP rs398122420, ClinGen allele CA220104.

ClinVar aggregate classification (germline): Uncertain significance (0 of 4 stars; one submission).

Submission:

Mitochondrial Research; Murdoch Childrens Research Institute
Classification: Uncertain significance. Review status: no assertion criteria provided. Collection method: not provided. Allele origin: unknown.
Comment: 4 heterozygotes, 2 homozygotes for reference
ClinVar note: Converted during submission from unknown to Uncertain significance.